The following is an entry in ClinVar:

ClinVar aggregate classification (germline): Pathogenic/Likely pathogenic. Review status: criteria provided, multiple submitters, no conflicts (2 of 4 stars). 2 submissions from 2 submitters: Pathogenic (1); Likely pathogenic (1). Last evaluated 2025-01-24.

Conditions:
Aspartylglucosaminuria (AGU). Also called: AGA DEFICIENCY; GLYCOASPARAGINASE; GLYCOSYLASPARAGINASE DEFICIENCY; Aspartylglucos-aminuria; Aspartylglucos-amidase (AGA) deficiency. Identifiers: Orphanet 93, MedGen C0268225, MONDO:0008830, OMIM 208400, HP:0012068.

Submissions (2):

Natera, Inc.
Classification: Likely pathogenic for Aspartylglucosaminuria. Last evaluated: 2025-01-24. Review status: criteria provided, single submitter. Criteria: Natera Variant Classification Schema (03/2026). Collection method: clinical testing. Allele origin: germline.
Comment: The c.864del variant in AGA is a frameshift variant predicted to shift the reading frame and introduce a stop codon. This variant is expected to result in nonsense mediated decay, truncation, or a dysfunctional protein product. This variant is rare in the general population with a frequency below the threshold expected for the associated phenotype(s). Given the available evidence, this variant is classified as Likely Pathogenic.

Labcorp Genetics (formerly Invitae), Labcorp
Classification: Pathogenic for Aspartylglucosaminuria. Last evaluated: 2023-05-22. Review status: criteria provided, single submitter. Criteria: Invitae Variant Classification Sherloc (09022015). Collection method: clinical testing. Allele origin: germline.
Comment: For these reasons, this variant has been classified as Pathogenic. This variant has not been reported in the literature in individuals affected with AGA-related conditions. This variant is not present in population databases (gnomAD no frequency). This sequence change creates a premature translational stop signal (p.Val289*) in the AGA gene. It is expected to result in an absent or disrupted protein product. Loss-of-function variants in AGA are known to be pathogenic (PMID: 7627186, 11309371).

Literature cited by the submitters: PubMed 7627186 (cited by Labcorp Genetics (formerly Invitae), Labcorp); PubMed 11309371 (cited by Labcorp Genetics (formerly Invitae), Labcorp).

NM_000027.4(AGA):c.864del (p.Lys288_Val289insTer)

Gene: AGA (aspartylglucosaminidase; minus strand). Cytogenetic location: 4q34.3.
Variant type: Deletion.
Coding change: c.864del on transcript NM_000027.4 (MANE Select); coding-DNA position 864, one base deleted (A; older notation c.864delA).
Protein change: p.Lys288_Val289insTer.
Molecular consequence: frameshift variant. On other transcripts: non-coding transcript variant (1).
Genome position (GRCh38, 1-based): chr4:177,433,290, T deleted on the plus strand (A on the coding strand, the reverse complement: AGA is on the minus strand); the first of 5 consecutive T bases (chr4:177,433,290-177,433,294); deleting any one gives the same sequence. VCF-style (leftmost placement, unchanged base first): chr4-177433289-CT-C. GRCh37 (hg19) VCF-style: chr4-178354443-CT-C.
Other names: c.834del, p.Lys278_Val279insTer (NM_001171988.2); c.864del (NM_000027.3).
Identifiers: ClinVar variation 2866927 (VCV002866927.5), dbSNP rs2476845907, ClinGen allele CA2739270361.